The following is an entry in ClinVar:

ClinVar aggregate classification (germline): Uncertain significance. Review status: criteria provided, multiple submitters, no conflicts (2 of 4 stars). 5 submissions from 5 submitters: Uncertain significance (5). Last evaluated 2025-11-06.

Conditions:
Hereditary breast ovarian cancer syndrome. Also called: Hereditary breast and ovarian cancer; Hereditary breast and/or ovarian cancer syndrome; BRCA1- and BRCA2-Associated Hereditary Breast and Ovarian Cancer; Breast and ovarian cancer; Hereditary breast and ovarian cancer syndrome; Hereditary breast and ovarian cancer syndrome (HBOC). Identifiers: Orphanet 145, MedGen C0677776, MeSH D061325, MONDO:0003582. Disease mechanism: loss of function.

Allele frequency attached by ClinVar (database versions not stated): ExAC 0.00002; gnomAD 0.00003; gnomAD exomes 0.00003; TOPMed 0.00003.

Submissions (5):

Ambry Genetics
Classification: Uncertain significance. Last evaluated: 2025-11-06. Review status: criteria provided, single submitter. Criteria: Ambry Variant Classification Scheme 2023. Collection method: clinical testing. Allele origin: germline.

Blueprint Genetics
Classification: Uncertain significance. Last evaluated: 2024-08-02. Review status: criteria provided, single submitter. Criteria: ACMG Guidelines, 2015. Collection method: clinical testing. Allele origin: germline.

Labcorp Genetics (formerly Invitae), Labcorp
Classification: Uncertain significance. Last evaluated: 2024-03-29. Review status: criteria provided, single submitter. Criteria: Invitae Variant Classification Sherloc (09022015). Collection method: clinical testing. Allele origin: germline.
Comment: This sequence change replaces arginine, which is basic and polar, with histidine, which is basic and polar, at codon 454 of the RECQL protein (p.Arg454His). This variant is present in population databases (rs776939203, gnomAD 0.006%). This variant has not been reported in the literature in individuals affected with RECQL-related conditions. ClinVar contains an entry for this variant (Variation ID: 830285). Advanced modeling of protein sequence and biophysical properties (such as structural, functional, and spatial information, amino acid conservation, physicochemical variation, residue mobility, and thermodynamic stability) performed at Invitae indicates that this missense variant is expected to disrupt RECQL protein function with a positive predictive value of 80%. In summary, the available evidence is currently insufficient to determine the role of this variant in disease. Therefore, it has been classified as a Variant of Uncertain Significance.

Quest Diagnostics Nichols Institute San Juan Capistrano
Classification: Uncertain significance. Last evaluated: 2022-09-21. Review status: criteria provided, single submitter. Criteria: Quest Diagnostics criteria. Collection method: clinical testing. Allele origin: unknown.
Comment: The frequency of this variant in the general population, 0.000027 (3/113132 chromosomes), is uninformative in assessment of its pathogenicity. In a large-scale breast cancer association study, the variant was observed in breast cancer cases as well as in unaffected study control individuals (see LOVD and PMID: 33471991 (2021)). Analysis of this variant using bioinformatics tools for the prediction of the effect of amino acid changes on protein structure and function yielded predictions that this variant is damaging. Based on the available information, we are unable to determine the clinical significance of this variant.

Cancer Genomics Group, Japanese Foundation For Cancer Research
Classification: Uncertain significance for Hereditary breast and ovarian cancer syndrome. Last evaluated: 2019-05-01. Review status: criteria provided, single submitter. Criteria: ACMG Guidelines, 2015. Collection method: research. Allele origin: germline. Affected: yes.

Literature cited by the submitters: PubMed 33471991 (cited by Quest Diagnostics Nichols Institute San Juan Capistrano).

NM_002907.4(RECQL):c.1361G>A (p.Arg454His)

Gene: RECQL (RecQ like helicase; minus strand). Cytogenetic location: 12p12.1.
Variant type: single nucleotide variant.
Coding change: c.1361G>A on transcript NM_002907.4 (MANE Select); coding-DNA position 1361, G replaced by A.
Protein change: p.Arg454His; replaces arginine 454 with histidine.
Molecular consequence: missense variant.
Genome position (GRCh38, 1-based): chr12:21,473,637, C>T on the plus strand (G>A on the coding strand, the complement: RECQL is on the minus strand). VCF-style: chr12-21473637-C-T. GRCh37 (hg19) VCF-style: chr12-21626571-C-T.
Other names: c.1361G>A, p.Arg454His (NM_032941.3); short protein forms R454H.
Identifiers: ClinVar variation 830285 (VCV000830285.16), dbSNP rs776939203, ClinGen allele CA6478767.